The following is an entry in ClinVar:

ClinVar aggregate classification (germline): Pathogenic (1 of 4 stars; one submission).

Conditions:
21-Hydroxylase-Deficient Congenital Adrenal Hyperplasia. Also called: ADRENAL HYPERPLASIA III; ADRENAL HYPERPLASIA, CONGENITAL, DUE TO 21-HYDROXYLASE DEFICIENCY. Identifiers: MedGen C2936858, OMIM 201910.

Submission:

Women's Health and Genetics/Laboratory Corporation of America, LabCorp
Classification: Pathogenic for 21-Hydroxylase-Deficient Congenital Adrenal Hyperplasia. Last evaluated: 2026-02-24. Review status: criteria provided, single submitter. Criteria: LabCorp Variant Classification Summary - May 2015. Collection method: clinical testing. Allele origin: germline.
Comment: Variant summary: CYP21A2 c.905C>A (p.Ser302Tyr) results in a non-conservative amino acid change in the encoded protein sequence. Algorithms developed to predict the effect of missense changes on protein structure and function are either unavailable or do not agree on the potential impact of this missense change. The variant was absent in 246420 control chromosomes (gnomAD). c.905C>A has been observed in individuals affected with Congenital Adrenal Hyperplasia/Non-Classic (e.g. Stikkelbroeck_2003, Stroek_2021). These data indicate that the variant is likely to be associated with disease. At least one publication reports experimental evidence evaluating an impact on protein function. The most pronounced variant effect results in <10% of normal activity (Ilany_2021). The following publications have been ascertained in the context of this evaluation (PMID: 12915679, 34171085, 33245778). No submitters have cited clinical-significance assessments for this variant to ClinVar. Based on the evidence outlined above, the variant was classified as pathogenic.

Literature cited by the submitters: PubMed 12915679; PubMed 34171085; PubMed 33245778.

NM_000500.9(CYP21A2):c.905C>A (p.Ser302Tyr)

Genes: CYP21A2 (cytochrome P450 family 21 subfamily A member 2; plus strand), LOC106780800 (CYP21A2 recombination region; plus strand). Cytogenetic location: 6p21.33.
Variant type: single nucleotide variant.
Coding change: c.905C>A on transcript NM_000500.9 (MANE Select); coding-DNA position 905, C replaced by A.
Protein change: p.Ser302Tyr; replaces serine 302 with tyrosine.
Molecular consequence: missense variant.
Genome position (GRCh38, 1-based): chr6:32,040,171, C>A. VCF-style: chr6-32040171-C-A. GRCh37 (hg19) VCF-style: chr6-32007948-C-A.
Other names: c.815C>A, p.Ser272Tyr (NM_001128590.4); c.500C>A, p.Ser167Tyr (NM_001368143.2, NM_001368144.2); short protein forms S167Y, S272Y, S302Y.
Identifiers: ClinVar variation 4848081 (VCV004848081.1).